The following is an entry in ClinVar:

NM_003504.5(CDC45):c.476G>T (p.Arg159Leu)

Gene: CDC45 (cell division cycle 45; plus strand). Cytogenetic location: 22q11.21.
Variant type: single nucleotide variant.
Coding change: c.476G>T on transcript NM_003504.5 (MANE Select); coding-DNA position 476, G replaced by T.
Protein change: p.Arg159Leu; replaces arginine 159 with leucine.
Molecular consequence: missense variant. On other transcripts: non-coding transcript variant (1).
Genome position (GRCh38, 1-based): chr22:19,483,995, G>T. VCF-style: chr22-19483995-G-T. GRCh37 (hg19) VCF-style: chr22-19471518-G-T.
Other names: c.476G>T, p.Arg159Leu (NM_001178010.2); c.338G>T, p.Arg113Leu (NM_001178011.2); c.440G>T, p.Arg147Leu (NM_001369291.1); short protein forms R113L, R147L, R159L.
Identifiers: ClinVar variation 1049694 (VCV001049694.4), dbSNP rs769448408, ClinGen allele CA10101051.

ClinVar aggregate classification (germline): Uncertain significance. Review status: criteria provided, single submitter (1 of 4 stars). 2 submissions from 2 submitters: Uncertain significance (1). 1 of the submissions does not count toward it. Last evaluated 2022-09-01.

Allele frequency attached by ClinVar (database versions not stated): ExAC 0.00006; gnomAD exomes 0.00011.
gnomAD v4.1: 74 of 1,600,154 alleles (0.0046%); highest among the groups gnomAD compares: Admixed American, 0.015%; no homozygotes.

Submissions (2):

Labcorp Genetics (formerly Invitae), Labcorp
Classification: Uncertain significance. Last evaluated: 2022-09-01. Review status: criteria provided, single submitter. Criteria: Invitae Variant Classification Sherloc (09022015). Collection method: clinical testing. Allele origin: germline.
Comment: This sequence change replaces arginine, which is basic and polar, with leucine, which is neutral and non-polar, at codon 159 of the CDC45 protein (p.Arg159Leu). This variant is present in population databases (rs769448408, gnomAD 0.2%). This variant has not been reported in the literature in individuals affected with CDC45-related conditions. ClinVar contains an entry for this variant (Variation ID: 1049694). Algorithms developed to predict the effect of missense changes on protein structure and function (SIFT, PolyPhen-2, Align-GVGD) all suggest that this variant is likely to be disruptive. In summary, the available evidence is currently insufficient to determine the role of this variant in disease. Therefore, it has been classified as a Variant of Uncertain Significance.

Department of Pathology and Laboratory Medicine, Sinai Health System
Classification: Uncertain significance. Review status: no assertion criteria provided. Collection method: clinical testing. Allele origin: unknown. Affected: yes. Study: The Canadian Open Genetics Repository (COGR). Not counted in ClinVar's aggregate classification.
Comment: Â¬â€ The CDC45 p.R147L variant was not identified in the literature nor was it identified in ClinVar. The variant was identified in dbSNP (ID: rs769448408) and in control databases in 26 of 237372 chromosomes at a frequency of 0.0001095 (Genome Aggregation Database March 6, 2019, v2.1.1). The variant was observed in the following populations: Ashkenazi Jewish in 21 of 9396 chromosomes (freq: 0.002235), Latino in 2 of 29668 chromosomes (freq: 0.000067) and European (non-Finnish) in 3 of 110274 chromosomes (freq: 0.000027), but was not observed in the African, East Asian, European (Finnish), Other, or South Asian populations. The p.R147 residue is conserved in mammals and computational analyses (PolyPhen-2, SIFT, MutationTaster, Revel, FATHMM, MetaLR, DANN) provide inconsistent predictions regarding the impact to the protein; this information is not very predictive of pathogenicity. The variant occurs outside of the splicing consensus sequence and in silico or computational prediction software programs (Splice AI exome) do not predict a difference in splicing. In summary, based on the above information the clinical significance of this variant cannot be determined with certainty at this time. This variant is classified as a variant of uncertain significance.